The following is an entry in ClinVar:

ClinVar aggregate classification (germline): Uncertain significance (1 of 4 stars; one submission).

Submission:

GeneDx
Classification: Uncertain significance. Last evaluated: 2024-01-16. Review status: criteria provided, single submitter. Criteria: GeneDx Variant Classification Process June 2021. Collection method: clinical testing. Allele origin: germline. Affected: yes.
Comment: Not observed at significant frequency in large population cohorts (gnomAD); In silico analysis supports that this missense variant does not alter protein structure/function; Has not been previously published as pathogenic or benign to our knowledge

NM_001379403.1(WDR26):c.1438A>C (p.Ile480Leu)

Gene: WDR26 (WD repeat domain 26; minus strand). Cytogenetic location: 1q42.12.
Variant type: single nucleotide variant.
Coding change: c.1438A>C on transcript NM_001379403.1 (MANE Select); coding-DNA position 1438, A replaced by C.
Protein change: p.Ile480Leu; replaces isoleucine 480 with leucine.
Molecular consequence: missense variant.
Genome position (GRCh38, 1-based): chr1:224,411,447, T>G on the plus strand (A>C on the coding strand, the complement: WDR26 is on the minus strand). VCF-style: chr1-224411447-T-G. GRCh37 (hg19) VCF-style: chr1-224599149-T-G.
Other names: c.1090A>C, p.Ile364Leu (NM_001115113.3); c.1138A>C, p.Ile380Leu (NM_025160.7); short protein forms I364L, I380L, I480L.
Identifiers: ClinVar variation 3367846 (VCV003367846.1).
Genomic context (GRCh38, chr1:224,411,447, plus strand): 5'-TCCCCTTTTGTAATATAAACACTCATATTGGGGTACATACCGGATCAACTTGCCATATGA[T>G]AACTGTTGTATCTTTTGATCCTGTTGCTAGTTTAGTGCCATCATTAGAGAATTTACAGAA-3'
Protein context (NP_001366332.1, residues 470-490): LATGSKDTTV[Ile480Leu]IWQVDPDTHL